The following is an entry in ClinVar:

NM_206933.4(USH2A):c.5856A>G (p.Ala1952=)

Genes: USH2A (usherin; minus strand), USH2A-AS2 (USH2A antisense RNA 2; plus strand). Cytogenetic location: 1q41.
Variant type: single nucleotide variant.
Coding change: c.5856A>G on transcript NM_206933.4 (MANE Select); coding-DNA position 5856, A replaced by G.
Protein change: p.Ala1952=; no amino-acid change (alanine 1952 retained).
Molecular consequence: synonymous variant.
Genome position (GRCh38, 1-based): chr1:216,072,890, T>C on the plus strand (A>G on the coding strand, the complement: USH2A is on the minus strand). VCF-style: chr1-216072890-T-C. GRCh37 (hg19) VCF-style: chr1-216246232-T-C.
Identifiers: ClinVar variation 1044166 (VCV001044166.8), dbSNP rs772046465, ClinGen allele CA1395333.

ClinVar aggregate classification (germline): Uncertain significance (1 of 4 stars; one submission).

Allele frequency attached by ClinVar (database versions not stated): gnomAD exomes below 0.00001; TOPMed below 0.00001; ExAC 0.00001.
gnomAD v4.1: 2 of 1,613,766 alleles (0.00012%); highest among the groups gnomAD compares: East Asian, 0.0022%; no homozygotes.

Submission:

Labcorp Genetics (formerly Invitae), Labcorp
Classification: Uncertain significance. Last evaluated: 2020-08-11. Review status: criteria provided, single submitter. Criteria: Invitae Variant Classification Sherloc (09022015). Collection method: clinical testing. Allele origin: germline.
Comment: This sequence change affects codon 1952 of the USH2A mRNA. It is a 'silent' change, meaning that it does not change the encoded amino acid sequence of the USH2A protein. This variant is present in population databases (rs772046465, ExAC 0.01%). This variant has not been reported in the literature in individuals with USH2A-related conditions. Algorithms developed to predict the effect of sequence changes on RNA splicing suggest that this variant may disrupt the consensus splice site, but this prediction has not been confirmed by published transcriptional studies. In summary, the available evidence is currently insufficient to determine the role of this variant in disease. Therefore, it has been classified as a Variant of Uncertain Significance.